The following continues an entry in ClinVar:

NM_000059.4(BRCA2):c.3264dup (p.Gln1089fs)

Gene: BRCA2. ClinVar aggregate classification (germline): Pathogenic. Pathogenic (1).

Submissions 8 to 16 of 28:

Molecular Diagnostics Laboratory, Catalan Institute of Oncology
Classification: Pathogenic for Hereditary cancer-predisposing syndrome. Last evaluated: 2025-03-05. Review status: criteria provided, single submitter. Criteria: ClinGen BRCA1BRCA2 ACMG Specifications BRCA2 V1.0.0. Collection method: clinical testing. Allele origin: germline. Not counted in ClinVar's aggregate classification.
Comment: PVS1, PM5_PTC_Strong, BS1_Supporting c.3264dup, located in exon 11 of the BRCA2 gene, consists in the duplication of 1 nucleotide, causing a translational frameshift with a predicted alternate stop codon p.(Gln1089Serfs*10). This alteration is expected to result in loss of function by premature protein truncation and nonsense-mediated mRNA decay (PVS1, PM5_PTC_Strong). It was found in 6/30278 alleles, with a filter allele frequency of 0.0085% at 95% confidence, within the Admixed American population in the gnomAD v2.1 (non-cancer, exome only subset) (BS1_Supporting). No effect is predicted on splicing by computational tools. This variant has been reported in the ClinVar database (9x pathogenic, 1x likely pathogenic) and in LOVD database (12x pathogenic, 2x uncertain significance) and classified as a pathogenic variant in BRCA Exchange database (“2016-09-08: Variant allele predicted to encode a truncated non-functional protein”). Based on currently available information, the variant c.3264dup is classified as a pathogenic variant according to ClinGen-BRCA1 and BRCA2 Guidelines version 1.0.0.

Genetics Department, Catlab
Classification: Pathogenic for Breast-ovarian cancer, familial, susceptibility to, 2; Pancreatic cancer, susceptibility to, 2. Last evaluated: 2024-10-28. Review status: criteria provided, single submitter. Criteria: ACMG Guidelines, 2015. Collection method: clinical testing. Allele origin: germline. Affected: yes. Observed: 1 variant allele. Not counted in ClinVar's aggregate classification.
Comment: The c.3264dup variant in the BRCA2 gene is a loss of function variant predicted to undergo nonsense mediated decay, and loss of function variants have been described as a causing mechanism for the gene (PVS1). The variant has a low frecuency in the gnomAD 3.1 non-cancer database (AF=0.000006763) (PM2). The variant has been described in multiple affected independent families with several affected individuals specially in spanish families (PMID:19241424, 19941167, 20033483, 23233716, 23479189) (PS4_Moderate). With all the available evidence, the variant is classified as pathogenic.

All of Us Research Program, National Institutes of Health
Classification: Pathogenic for BRCA2-related cancer predisposition. Last evaluated: 2024-09-27. Review status: criteria provided, single submitter. Criteria: ACMG Guidelines, 2015. Collection method: clinical testing. Allele origin: germline. Inheritance: Autosomal dominant inheritance. Observed: 5 variant alleles, 5 heterozygotes. Not counted in ClinVar's aggregate classification.
Comment: This variant inserts 1 nucleotide in exon 11 of the BRCA2 gene, creating a frameshift and premature translation stop signal. This variant is also known as 3492insT, 3492dupT, 3492_3493insT and c.3264_3265insT in the literature. This variant is expected to result in an absent or non-functional protein product. To our knowledge, functional studies have not been reported for this variant. This variant has been reported in at least ten individuals affected with breast, ovarian and uterine cancer (PMID: 11843247, 12655567, 12845657, 12955716, 20104584, 30630528, 33471991; Leiden Open Variation Database DB-ID BRCA2_000667; Color internal data) and two individuals affected with pancreatic cancer (PMID: 29506128, 30274973) and is a recurrent mutation detected in suspected hereditary breast and ovarian cancer families of Latin American, Caribbean and Spanish origins (PMID: 19241424, 19941167, 20033483, 23233716, 23479189). This variant also has been detected in trans with two different BRCA2 pathogenic mutations in two individuals who had clinical features consistent with Fanconi anemia (PMID: 23613520, 29753700). This variant has been identified in 6/232856 chromosomes in the general population by the Genome Aggregation Database (gnomAD). Loss of BRCA2 function is a known mechanism of disease. Based on the available evidence, this variant is classified as Pathogenic.

This study involves interpretation of variants in research participants for the purpose of population health screening. Participant phenotype was not available at the time of variant classification. Additional details can be found in publication PMID: 35346344, PMCID: PMC8962531

Fulgent Genetics
Classification: Pathogenic for Familial cancer of breast; Medulloblastoma; Familial prostate cancer; Wilms tumor 1; Fanconi anemia complementation group D1; Breast-ovarian cancer, familial, susceptibility to, 2; Glioma susceptibility 3; Pancreatic cancer, susceptibility to, 2. Last evaluated: 2024-06-20. Review status: criteria provided, single submitter. Criteria: ACMG Guidelines, 2015. Collection method: clinical testing. Allele origin: germline. Not counted in ClinVar's aggregate classification.

ARUP Laboratories, Molecular Genetics and Genomics, ARUP Laboratories
Classification: Pathogenic. Last evaluated: 2024-05-01. Review status: criteria provided, single submitter. Criteria: ARUP Molecular Germline Variant Investigation Process 2024. Collection method: clinical testing. Allele origin: germline. Not counted in ClinVar's aggregate classification.
Comment: The BRCA2 c.3264dupT; p.Gln1089fs variant (rs80359380), also known as 3492insT, is reported in the literature in multiple individuals with a personal or family history of breast and/or ovarian cancer (de Juan 2015, de la Hoya 2002, Fernandez-Lopez 2019, Llort 2002, Plamero 2018). This variant has also been observed in an individual with Fanconi anemia in trans to a second pathogenic BRCA2 variant (Chandrasekharappa 2013). The c.3264dupT variant is found on only six chromosomes in the Genome Aggregation Database, indicating it is not a common polymorphism. This variant causes a frameshift by inserting a single nucleotide, so it is predicted to result in a truncated protein or mRNA subject to nonsense-mediated decay. Based on available information, this variant is considered to be pathogenic. References: Chandrasekharappa SC et al. Massively parallel sequencing, aCGH, and RNA-Seq technologies provide a comprehensive molecular diagnosis of Fanconi anemia. Blood. 2013 May 30;121(22):e138-48. de Juan I et al. BRCA1 and BRCA2 mutations in males with familial breast and ovarian cancer syndrome. Results of a Spanish multicenter study. Fam Cancer. 2015 Dec;14(4):505-13. de la Hoya M et al. Association between BRCA1 and BRCA2 mutations and cancer phenotype in Spanish breast/ovarian cancer families: implications for genetic testing. Int J Cancer. 2002 Feb 1;97(4):466-71. Fernandez-Lopez JC et al. Population and breast cancer patients' analysis reveals the diversity of genomic variation of the BRCA genes in the Mexican population. Hum Genomics. 2019 Jan 10;13(1):3. Llort G et al. Low frequency of recurrent BRCA1 and BRCA2 mutations in Spain. Hum Mutat. 2002 Mar;19(3):307. Palmero EI et al. The germline mutational landscape of BRCA1 and BRCA2 in Brazil. Sci Rep. 2018 Jun 15;8(1):9188.

Color Diagnostics, LLC DBA Color Health
Classification: Pathogenic for Hereditary cancer-predisposing syndrome. Last evaluated: 2024-04-08. Review status: criteria provided, single submitter. Criteria: ACMG Guidelines, 2015. Collection method: clinical testing. Allele origin: germline. Not counted in ClinVar's aggregate classification.
Comment: This variant inserts 1 nucleotide in exon 11 of the BRCA2 gene, creating a frameshift and premature translation stop signal. This variant is also known as 3492insT, 3492dupT, 3492_3493insT and c.3264_3265insT in the literature. This variant is expected to result in an absent or non-functional protein product. This variant has been reported in at least ten individuals affected with breast, ovarian and uterine cancer (PMID: 11843247, 12655567, 12845657, 12955716, 20104584, 30630528, 33471991; Leiden Open Variation Database DB-ID BRCA2_000667; Color internal data) and two individuals affected with pancreatic cancer (PMID: 29506128, 30274973) and is a recurrent mutation detected in suspected hereditary breast and ovarian cancer families of Latin American, Caribbean and Spanish origins (PMID: 19241424, 19941167, 20033483, 23233716, 23479189). This variant also has been detected in trans with two different BRCA2 pathogenic mutations in two individuals who had clinical features consistent with Fanconi anemia (PMID: 23613520, 29753700). This variant has been identified in 6/232856 chromosomes in the general population by the Genome Aggregation Database (gnomAD). Loss of BRCA2 function is a known mechanism of disease. Based on the available evidence, this variant is classified as Pathogenic.

Baylor Genetics
Classification: Pathogenic for Familial cancer of breast. Last evaluated: 2024-03-20. Review status: criteria provided, single submitter. Criteria: ACMG Guidelines, 2015. Collection method: clinical testing. Allele origin: unknown. Not counted in ClinVar's aggregate classification.

Revvity Omics, Revvity
Classification: Pathogenic. Last evaluated: 2024-03-01. Review status: criteria provided, single submitter. Criteria: ACMG Guidelines, 2015. Collection method: clinical testing. Allele origin: germline. Not counted in ClinVar's aggregate classification.

GeneDx
Classification: Pathogenic. Last evaluated: 2023-11-13. Review status: criteria provided, single submitter. Criteria: GeneDx Variant Classification Process June 2021. Collection method: clinical testing. Allele origin: germline. Affected: yes. Not counted in ClinVar's aggregate classification.
Comment: Frameshift variant predicted to result in protein truncation or nonsense mediated decay in a gene for which loss-of-function is a known mechanism of disease; Observed in the heterozygous state in individuals with a personal or family history consistent with pathogenic variants in this gene (PMID: 19941167, 20033483, 23479189, 23233716, 28477318, 29506128); Truncating variants in this gene are considered pathogenic by a well-established clinical consortium and/or database; Also known as 3492dupT; This variant is associated with the following publications: (PMID: 12955716, 20033483, 19941167, 23233716, 24259538, 23613520, 23479189, 12845657, 29907814, 30630528, 30720243, 34413315, 29922827, 28888541, 33858029, 18176857, 22426013, 11857748, 16758124, 26026974, 12655567, 19530235, 25371446, 25628955, 27842325, 26681312, 24123850, 28477318, 28985766, 28680148, 28127413, 29387975, 11802208, 29506128, 21548014, 30274973, 30322717, 31447099, 31589614, 32719484, 30787465, 30625039, 35264596, 29753700, 35451682)